The following is an entry in ClinVar:

NM_012448.4(STAT5B):c.944A>C (p.Glu315Ala)

Gene: STAT5B (signal transducer and activator of transcription 5B; minus strand). Cytogenetic location: 17q21.2.
Variant type: single nucleotide variant.
Coding change: c.944A>C on transcript NM_012448.4 (MANE Select); coding-DNA position 944, A replaced by C.
Protein change: p.Glu315Ala; replaces glutamic acid 315 with alanine.
Molecular consequence: missense variant.
Genome position (GRCh38, 1-based): chr17:42,218,768, T>G on the plus strand (A>C on the coding strand, the complement: STAT5B is on the minus strand). VCF-style: chr17-42218768-T-G. GRCh37 (hg19) VCF-style: chr17-40370786-T-G.
Other names: p.Glu315Ala; short protein forms E315A.
Identifiers: ClinVar variation 790882 (VCV000790882.37), dbSNP rs572536541, ClinGen allele CA8574160.
Genomic context (GRCh38, chr17:42,218,768, plus strand): 5'-ACAGGCAGCAGTCACCTGGTCACCAGGGCTGAGATAATGTCCGTGATGGTGGCGTTGACC[T>G]CGGCCAGCATCTCCTCCACTGGGCCGGGGATGGGCAGCTGCTGGCAGAGGTGCTCAGCCC-3'
Protein context (NP_036580.2, residues 305-325): IPGPVEEMLA[Glu315Ala]VNATITDIIS

ClinVar aggregate classification (germline): Benign. Review status: criteria provided, multiple submitters, no conflicts (2 of 4 stars). 5 submissions from 5 submitters: Benign (3). 2 of the submissions do not count toward it. Last evaluated 2025-09-04.

Conditions:
Growth hormone insensitivity with immune dysregulation 1, autosomal recessive. Also called: GROWTH HORMONE INSENSITIVITY DUE TO POSTRECEPTOR DEFECT; GROWTH HORMONE INSENSITIVITY SYNDROME WITH IMMUNE DYSREGULATION 1, AUTOSOMAL RECESSIVE; LARON SYNDROME DUE TO POSTRECEPTOR DEFECT; Laron syndrome with immunodeficiency. Identifiers: Orphanet 220465, MedGen C5435698, MONDO:0100211, OMIM 245590.

Allele frequency attached by ClinVar (database versions not stated): gnomAD 0.00012 and 0.00064; TOPMed 0.00020; gnomAD exomes 0.00224; ExAC 0.00265; 1000 Genomes Project 30x 0.00297; 1000 Genomes Project 0.00300.
gnomAD v4.1: 1,857 of 1,612,778 alleles (0.12%); highest among the groups gnomAD compares: South Asian, 1.9%; 37 homozygotes.

Submissions (5):

Mayo Clinic Laboratories, Mayo Clinic
Classification: Benign. Last evaluated: 2025-09-04. Review status: criteria provided, single submitter. Criteria: ACMG Guidelines, 2015. Collection method: clinical testing. Allele origin: germline. Observed: 1 variant allele.
Comment: BS1, BS2, BP4_moderate

CeGaT Center for Human Genetics Tuebingen
Classification: Benign. Last evaluated: 2025-06-01. Review status: criteria provided, single submitter. Criteria: CeGaT Center For Human Genetics Tuebingen Variant Classification Criteria Version 2. Collection method: clinical testing. Allele origin: germline. Affected: yes. Observed: 2 variant alleles.
Comment: STAT5B: BS1, BS2

Labcorp Genetics (formerly Invitae), Labcorp
Classification: Benign for Growth hormone insensitivity with immune dysregulation 1, autosomal recessive. Last evaluated: 2022-08-23. Review status: criteria provided, single submitter. Criteria: Invitae Variant Classification Sherloc (09022015). Collection method: clinical testing. Allele origin: germline.

Clinical Genetics DNA and cytogenetics Diagnostics Lab, Erasmus MC, Erasmus Medical Center
Classification: Benign. Review status: no assertion criteria provided. Collection method: clinical testing. Allele origin: germline. Affected: yes. Study: VKGL Data-share Consensus. Not counted in ClinVar's aggregate classification.

Laboratory of Diagnostic Genome Analysis, Leiden University Medical Center (LUMC)
Classification: Likely benign. Review status: no assertion criteria provided. Collection method: clinical testing. Allele origin: germline. Affected: yes. Study: VKGL Data-share Consensus. Not counted in ClinVar's aggregate classification.

Literature cited by the submitters: PubMed 24335149 (cited by Mayo Clinic Laboratories, Mayo Clinic).